The following is an entry in ClinVar:

NM_001042492.3(NF1):c.1102del (p.Ser368fs)

Gene: NF1 (neurofibromin 1; plus strand). Cytogenetic location: 17q11.2.
Variant type: Deletion.
Coding change: c.1102del on transcript NM_001042492.3 (MANE Select); coding-DNA position 1102, one base deleted (A; older notation c.1102delA).
Protein change: p.Ser368fs; shifts the reading frame from serine 368.
Molecular consequence: frameshift variant.
Genome position (GRCh38, 1-based): chr17:31,201,076, A deleted. VCF-style (leftmost placement, unchanged base first): chr17-31201075-CA-C. GRCh37 (hg19) VCF-style: chr17-29528093-CA-C.
Other names: c.1102delA, p.Ser368Valfs (NM_000267.4); c.1102del, p.Ser368fs (NM_001128147.3); short protein forms S368fs.
Identifiers: ClinVar variation 1074627 (VCV001074627.3), dbSNP rs2143878968, ClinGen allele CA2499224022.

ClinVar aggregate classification (germline): Pathogenic (1 of 4 stars; one submission).

Conditions:
Neurofibromatosis, type 1 (NF1). Also called: VON RECKLINGHAUSEN DISEASE; Peripheral type neurofibromatosis; NEUROFIBROMATOSIS, TYPE I, SOMATIC; Neurofibromatosis, type I. Identifiers: Orphanet 636, MedGen C0027831, MONDO:0018975, OMIM 162200. Disease mechanism: loss of function.

Submission:

Labcorp Genetics (formerly Invitae), Labcorp
Classification: Pathogenic for Neurofibromatosis, type 1. Last evaluated: 2024-04-22. Review status: criteria provided, single submitter. Criteria: Invitae Variant Classification Sherloc (09022015). Collection method: clinical testing. Allele origin: germline.
Comment: This sequence change creates a premature translational stop signal (p.Ser368Valfs*8) in the NF1 gene. It is expected to result in an absent or disrupted protein product. Loss-of-function variants in NF1 are known to be pathogenic (PMID: 10712197, 23913538). This variant is not present in population databases (gnomAD no frequency). This variant has not been reported in the literature in individuals affected with NF1-related conditions. ClinVar contains an entry for this variant (Variation ID: 1074627). For these reasons, this variant has been classified as Pathogenic.

Literature cited by the submitters: PubMed 10712197; PubMed 23913538.